The following is an entry in ClinVar:

NM_004064.5(CDKN1B):c.-5G>T

Gene: CDKN1B (cyclin dependent kinase inhibitor 1B; plus strand). Cytogenetic location: 12p13.1.
Variant type: single nucleotide variant.
Coding change: c.-5G>T on transcript NM_004064.5 (MANE Select); 5 bases upstream of the start codon, G replaced by T.
Molecular consequence: 5 prime UTR variant.
Genome position (GRCh38, 1-based): chr12:12,717,835, G>T. VCF-style: chr12-12717835-G-T. GRCh37 (hg19) VCF-style: chr12-12870769-G-T.
Identifiers: ClinVar variation 1751017 (VCV001751017.3), dbSNP rs2136355313, ClinGen allele CA2580085162.

ClinVar aggregate classification (germline): Uncertain significance (1 of 4 stars; one submission).

Conditions:
Hereditary cancer-predisposing syndrome. Also called: Hereditary Cancer Syndrome; Hereditary neoplastic syndrome; Neoplastic Syndromes, Hereditary; Tumor predisposition. Identifiers: Orphanet 140162, MedGen C0027672, MeSH D009386, MONDO:0015356.

Allele frequency attached by ClinVar (database versions not stated): gnomAD exomes below 0.00001.

Submission:

Ambry Genetics
Classification: Uncertain significance for Hereditary cancer-predisposing syndrome. Last evaluated: 2025-11-14. Review status: criteria provided, single submitter. Criteria: Ambry Variant Classification Scheme 2023. Collection method: clinical testing. Allele origin: germline.
Comment: The c.-5G>T variant is located in the 5' untranslated region (5&rsquo; UTR) of the CDKN1B gene. This variant results from a G to T substitution 5 bases upstream from the first translated codon. This nucleotide position is well conserved in available vertebrate species. Based on the available evidence, the clinical significance of this variant remains unclear.